The following is an entry in ClinVar:

ClinVar aggregate classification (germline): Benign/Likely benign. Review status: criteria provided, multiple submitters, no conflicts (2 of 4 stars). 3 submissions from 3 submitters: Benign (1); Likely benign (2). Last evaluated 2026-04-23.

Conditions:
Colorectal cancer, susceptibility to, 1. Also called: COLORECTAL ADENOMA AND CANCER, SUSCEPTIBILITY TO; COLORECTAL CANCER, SUSCEPTIBILITY TO, ON CHROMOSOME 9. Identifiers: MedGen C1837315, MONDO:0012132, OMIM 608812.

Allele frequency attached by ClinVar (database versions not stated): TOPMed 0.00001.
gnomAD v4.1: 1 of 1,611,704 alleles (0.000062%); highest among the groups gnomAD compares: Non-Finnish European, 0.000085%; no homozygotes.

Submissions (3):

Myriad Genetics, Inc.
Classification: Benign for Colorectal cancer, susceptibility to, 1. Last evaluated: 2026-04-23. Review status: criteria provided, single submitter. Criteria: Myriad Autosomal Dominant, Autosomal Recessive and X-Linked Classification Criteria (2023). Collection method: clinical testing. Allele origin: unknown.
Comment: This variant is considered benign. This variant is a silent/synonymous amino acid change and it is not expected to impact splicing.

Labcorp Genetics (formerly Invitae), Labcorp
Classification: Likely benign. Last evaluated: 2023-08-28. Review status: criteria provided, single submitter. Criteria: Invitae Variant Classification Sherloc (09022015). Collection method: clinical testing. Allele origin: germline.

Ambry Genetics
Classification: Likely benign. Last evaluated: 2019-06-01. Review status: criteria provided, single submitter. Criteria: Ambry Variant Classification Scheme 2023. Collection method: clinical testing. Allele origin: germline.

NM_024642.5(GALNT12):c.576G>C (p.Ser192=)

Gene: GALNT12 (polypeptide N-acetylgalactosaminyltransferase 12; plus strand). Cytogenetic location: 9q22.33.
Variant type: single nucleotide variant.
Coding change: c.576G>C on transcript NM_024642.5 (MANE Select); coding-DNA position 576, G replaced by C.
Protein change: p.Ser192=; no amino-acid change (serine 192 retained).
Molecular consequence: synonymous variant.
Genome position (GRCh38, 1-based): chr9:98,826,786, G>C. VCF-style: chr9-98826786-G-C. GRCh37 (hg19) VCF-style: chr9-101589068-G-C.
Identifiers: ClinVar variation 825955 (VCV000825955.8), dbSNP rs780652927, ClinGen allele CA5153991.